The following is an entry in ClinVar:

ClinVar aggregate classification (germline): Conflicting classifications of pathogenicity. Review status: criteria provided, conflicting classifications (1 of 4 stars). 2 submissions from 2 submitters: Uncertain significance (1); Likely benign (1). Last evaluated 2025-05-21.

Conditions:
Hereditary cancer-predisposing syndrome. Also called: Tumor predisposition; Hereditary Cancer Syndrome; Hereditary neoplastic syndrome; Neoplastic Syndromes, Hereditary. Identifiers: Orphanet 140162, MedGen C0027672, MeSH D009386, MONDO:0015356.
Hereditary breast ovarian cancer syndrome. Also called: Hereditary breast and ovarian cancer syndrome; Breast and ovarian cancer; BRCA1- and BRCA2-Associated Hereditary Breast and Ovarian Cancer; Hereditary breast and ovarian cancer syndrome (HBOC); Hereditary breast and ovarian cancer; Hereditary breast and/or ovarian cancer syndrome. Identifiers: Orphanet 145, MedGen C0677776, MeSH D061325, MONDO:0003582. Disease mechanism: loss of function.

Allele frequency attached by ClinVar (database versions not stated): ExAC 0.00001.

Submissions (2):

Labcorp Genetics (formerly Invitae), Labcorp
Classification: Uncertain significance for Hereditary breast ovarian cancer syndrome. Last evaluated: 2025-05-21. Review status: criteria provided, single submitter. Criteria: Invitae Variant Classification Sherloc (09022015). Collection method: clinical testing. Allele origin: germline.
Comment: This sequence change replaces cysteine, which is neutral and slightly polar, with phenylalanine, which is neutral and non-polar, at codon 348 of the BRCA1 protein (p.Cys348Phe). This variant is not present in population databases (gnomAD no frequency). This variant has not been reported in the literature in individuals affected with BRCA1-related conditions. ClinVar contains an entry for this variant (Variation ID: 2092620). Invitae Evidence Modeling of protein sequence and biophysical properties (such as structural, functional, and spatial information, amino acid conservation, physicochemical variation, residue mobility, and thermodynamic stability) indicates that this missense variant is not expected to disrupt BRCA1 protein function with a negative predictive value of 80%. In summary, the available evidence is currently insufficient to determine the role of this variant in disease. Therefore, it has been classified as a Variant of Uncertain Significance.

University of Washington Department of Laboratory Medicine, University of Washington
Classification: Likely benign for Hereditary cancer-predisposing syndrome. Last evaluated: 2023-03-23. Review status: criteria provided, single submitter. Criteria: Dines et al. (Genet Med. 2020). Collection method: curation. Allele origin: germline.
Comment: Missense variant in a coldspot region where missense variants are very unlikely to be pathogenic (PMID:31911673).

BRCA1 coldspot (exon 11 using historical exon numbering). Reclassification based on statistical prior probability

NM_007294.4(BRCA1):c.1043G>T (p.Cys348Phe)

Gene: BRCA1 (BRCA1 DNA repair associated; minus strand). Cytogenetic location: 17q21.31.
Variant type: single nucleotide variant.
Coding change: c.1043G>T on transcript NM_007294.4 (MANE Select); coding-DNA position 1043, G replaced by T.
Protein change: p.Cys348Phe; replaces cysteine 348 with phenylalanine.
Molecular consequence: missense variant. On other transcripts: intron variant (137).
Genome position (GRCh38, 1-based): chr17:43,094,488, C>A on the plus strand (G>T on the coding strand, the complement: BRCA1 is on the minus strand). VCF-style: chr17-43094488-C-A. GRCh37 (hg19) VCF-style: chr17-41246505-C-A.
Other names: c.830G>T, p.Cys277Phe (NM_001407571.1, NM_001407853.1, NM_001407894.1 and 9 more transcripts); c.1043G>T, p.Cys348Phe (NM_001407581.1, NM_001407582.1, NM_001407583.1 and 30 more transcripts); c.1040G>T, p.Cys347Phe (NM_001407587.1, NM_001407590.1, NM_001407591.1 and 22 more transcripts); c.1034G>T, p.Cys345Phe (NM_001407646.1, NM_001407647.1); c.920G>T, p.Cys307Phe (NM_001407648.1, NM_001407664.1, NM_001407665.1 and 19 more transcripts); c.917G>T, p.Cys306Phe (NM_001407649.1, NM_001407670.1, NM_001407671.1 and 11 more transcripts); c.965G>T, p.Cys322Phe (NM_001407653.1, NM_001407654.1, NM_001407655.1 and 4 more transcripts); c.962G>T, p.Cys321Phe (NM_001407659.1, NM_001407660.1, NM_001407661.1 and 1 more transcripts); and 40 more; short protein forms C220F, C237F, C277F, C322F, C347F, C221F, C300F, C345F.
Identifiers: ClinVar variation 2092620 (VCV002092620.6), dbSNP rs752198747, ClinGen allele CA056990.
Genomic context (GRCh38, chr17:43,094,488, plus strand): 5'-TCAGTATCTCTAGGATTCTCTGAGCATGGCAGTTTCTGCTTATTCCATTCTTTTCTCTCA[C>A]ACAGGGGATCAGCATTCAGATCTACCTTTTTTTCTGTGCTGGGAGTCCGCCTATCATTAC-3'
Protein context (NP_009225.1, residues 338-358): KKVDLNADPL[Cys348Phe]ERKEWNKQKL